The following is an entry in ClinVar:

NM_033056.4(PCDH15):c.4585del (p.Tyr1529fs)

Gene: PCDH15 (protocadherin related 15; minus strand). Cytogenetic location: 10q21.1.
Variant type: Deletion.
Coding change: c.4585del on transcript NM_033056.4 (MANE Plus Clinical); coding-DNA position 4585, one base deleted (T; older notation c.4585delT).
Protein change: p.Tyr1529fs; shifts the reading frame from tyrosine 1529.
Molecular consequence: frameshift variant. On other transcripts: intron variant (8).
Genome position (GRCh38, 1-based): chr10:53,823,141, A deleted on the plus strand (T on the coding strand, the reverse complement: PCDH15 is on the minus strand); the first of 3 consecutive A bases (chr10:53,823,141-53,823,143); deleting any one gives the same sequence. VCF-style (leftmost placement, unchanged base first): chr10-53823140-TA-T. GRCh37 (hg19) VCF-style: chr10-55582900-TA-T.
Other names: c.4606del, p.Tyr1536fs (NM_001142763.2); c.4591del, p.Tyr1531fs (NM_001142764.2); c.4378del, p.Tyr1460fs (NM_001142765.2); c.4576del, p.Tyr1526fs (NM_001142766.2); c.4465del, p.Tyr1489fs (NM_001142767.2); c.4525del, p.Tyr1509fs (NM_001142768.2); c.4516del, p.Tyr1506fs (NM_001142773.2); c.4519del, p.Tyr1507fs (NM_001354404.2); and 6 more; short protein forms Y1460fs, Y1489fs, Y1506fs, Y1507fs, Y1509fs, Y1526fs, Y1529fs, Y1531fs.
Identifiers: ClinVar variation 4807185 (VCV004807185.1).
Genomic context (GRCh38, chr10:53,823,140, plus strand): 5'-ACAAAATCTGTTCTCTGTGAAATGTCTGAATTTGTTGATACTTGACTTATGTTTTCCTTA[TA>T]AAGGGGATTATGGGCACTTAAGTCATCCTCATCAGATAGAAATGTGAATTTTCTTGCAGA-3'

ClinVar aggregate classification (germline): Pathogenic (1 of 4 stars; one submission).

Submission:

Labcorp Genetics (formerly Invitae), Labcorp
Classification: Pathogenic. Last evaluated: 2026-01-22. Review status: criteria provided, single submitter. Criteria: Invitae Variant Classification Sherloc (09022015). Collection method: clinical testing. Allele origin: germline.
Comment: This sequence change creates a premature translational stop signal (p.Tyr1529Ilefs*5) in the PCDH15 gene. While this is not anticipated to result in nonsense mediated decay, it is expected to disrupt the last 427 amino acid(s) of the PCDH15 protein. This variant is not present in population databases (gnomAD no frequency). This variant has not been reported in the literature in individuals affected with PCDH15-related conditions. This variant disrupts a region of the PCDH15 protein in which other variant(s) (p.Gln1576*) have been determined to be pathogenic (PMID: 28281779). This suggests that this is a clinically significant region of the protein, and that variants that disrupt it are likely to be disease-causing. For these reasons, this variant has been classified as Pathogenic.

Literature cited by the submitters: PubMed 28281779.